The following is an entry in ClinVar:

NM_001363711.2(DUOX2):c.3284C>G (p.Ser1095Cys)

Gene: DUOX2 (dual oxidase 2; minus strand). Cytogenetic location: 15q21.1.
Variant type: single nucleotide variant.
Coding change: c.3284C>G on transcript NM_001363711.2 (MANE Select); coding-DNA position 3284, C replaced by G.
Protein change: p.Ser1095Cys; replaces serine 1095 with cysteine.
Molecular consequence: missense variant.
Genome position (GRCh38, 1-based): chr15:45,099,793, G>C on the plus strand (C>G on the coding strand, the complement: DUOX2 is on the minus strand). VCF-style: chr15-45099793-G-C. GRCh37 (hg19) VCF-style: chr15-45391991-G-C.
Other names: c.3284C>G, p.Ser1095Cys (NM_014080.5); short protein forms S1095C.
Identifiers: ClinVar variation 1928307 (VCV001928307.5), dbSNP rs777375808, ClinGen allele CA7537932.
Genomic context (GRCh38, chr15:45,099,793, plus strand): 5'-TTGAGGAAAGTCTCTCGCAGGAAGGTTATGAGGTTGCGGCACATGGTGAGCAAGATATAA[G>C]AGAACATGAAGGAGACGCTGGCCGCCGTGCCTCGTGACAGGATGATGCCCACGAGGGTGG-3'
Protein context (NP_001350640.1, residues 1085-1105): GTAASVSFMF[Ser1095Cys]YILLTMCRNL

ClinVar aggregate classification (germline): Uncertain significance (1 of 4 stars; one submission).

Allele frequency attached by ClinVar (database versions not stated): ExAC 0.00001; gnomAD exomes 0.00001.
gnomAD v4.1: 11 of 1,614,234 alleles (0.00068%); highest among the groups gnomAD compares: Non-Finnish European, 0.00093%; no homozygotes.

Submission:

Labcorp Genetics (formerly Invitae), Labcorp
Classification: Uncertain significance. Last evaluated: 2025-09-03. Review status: criteria provided, single submitter. Criteria: Invitae Variant Classification Sherloc (09022015). Collection method: clinical testing. Allele origin: germline.
Comment: This sequence change replaces serine, which is neutral and polar, with cysteine, which is neutral and slightly polar, at codon 1095 of the DUOX2 protein (p.Ser1095Cys). This variant is present in population databases (rs777375808, gnomAD 0.002%). This variant has not been reported in the literature in individuals affected with DUOX2-related conditions. ClinVar contains an entry for this variant (Variation ID: 1928307). Invitae Evidence Modeling of protein sequence and biophysical properties (such as structural, functional, and spatial information, amino acid conservation, physicochemical variation, residue mobility, and thermodynamic stability) indicates that this missense variant is not expected to disrupt DUOX2 protein function with a negative predictive value of 80%. In summary, the available evidence is currently insufficient to determine the role of this variant in disease. Therefore, it has been classified as a Variant of Uncertain Significance.